The following is an entry in ClinVar:

NM_001212.4(C1QBP):c.207T>C (p.Cys69=)

Genes: C1QBP (complement C1q binding protein; minus strand), LOC130060074 (ATAC-STARR-seq lymphoblastoid silent region 8069; plus strand). Cytogenetic location: 17p13.2.
Variant type: single nucleotide variant.
Coding change: c.207T>C on transcript NM_001212.4 (MANE Select); coding-DNA position 207, T replaced by C.
Protein change: p.Cys69=; no amino-acid change (cysteine 69 retained).
Molecular consequence: synonymous variant.
Genome position (GRCh38, 1-based): chr17:5,438,867, A>G on the plus strand (T>C on the coding strand, the complement: C1QBP is on the minus strand). VCF-style: chr17-5438867-A-G. GRCh37 (hg19) VCF-style: chr17-5342187-A-G.
Identifiers: ClinVar variation 2076452 (VCV002076452.8), dbSNP rs900153589, ClinGen allele CA287261504.

ClinVar aggregate classification (germline): Likely benign. Review status: criteria provided, multiple submitters, no conflicts (2 of 4 stars). 2 submissions from 2 submitters: Likely benign (2). Last evaluated 2026-03-01.

Allele frequency attached by ClinVar (database versions not stated): gnomAD 0.00009; gnomAD exomes 0.00015; 1000 Genomes Project 30x 0.00016.
gnomAD v4.1: 223 of 1,545,808 alleles (0.014%); highest among the groups gnomAD compares: Non-Finnish European, 0.017%; no homozygotes.

Submissions (2):

CeGaT Center for Human Genetics Tuebingen
Classification: Likely benign. Last evaluated: 2026-03-01. Review status: criteria provided, single submitter. Criteria: CeGaT Center For Human Genetics Tuebingen Variant Classification Criteria Version 2. Collection method: clinical testing. Allele origin: germline. Affected: yes. Observed: 1 variant allele.
Comment: C1QBP: BP4, BP7

Labcorp Genetics (formerly Invitae), Labcorp
Classification: Likely benign. Last evaluated: 2025-10-02. Review status: criteria provided, single submitter. Criteria: Invitae Variant Classification Sherloc (09022015). Collection method: clinical testing. Allele origin: germline.